The following is an entry in ClinVar:

ClinVar aggregate classification (germline): Uncertain significance (1 of 4 stars; one submission).

gnomAD v4.1: 4 of 1,613,700 alleles (0.00025%); highest among the groups gnomAD compares: Middle Eastern, 0.016%; no homozygotes.

Submission:

Labcorp Genetics (formerly Invitae), Labcorp
Classification: Uncertain significance. Last evaluated: 2025-12-15. Review status: criteria provided, single submitter. Criteria: Invitae Variant Classification Sherloc (09022015). Collection method: clinical testing. Allele origin: germline.
Comment: This sequence change replaces methionine, which is neutral and non-polar, with valine, which is neutral and non-polar, at codon 918 of the FLNB protein (p.Met918Val). This variant is present in population databases (rs758337103, gnomAD 0.0009%). This variant has not been reported in the literature in individuals affected with FLNB-related conditions. ClinVar contains an entry for this variant (Variation ID: 3607085). Invitae Evidence Modeling of protein sequence and biophysical properties (such as structural, functional, and spatial information, amino acid conservation, physicochemical variation, residue mobility, and thermodynamic stability) indicates that this missense variant is not expected to disrupt FLNB protein function with a negative predictive value of 80%. In summary, the available evidence is currently insufficient to determine the role of this variant in disease. Therefore, it has been classified as a Variant of Uncertain Significance.

NM_001457.4(FLNB):c.2752A>G (p.Met918Val)

Gene: FLNB (filamin B; plus strand). Cytogenetic location: 3p14.3.
Variant type: single nucleotide variant.
Coding change: c.2752A>G on transcript NM_001457.4 (MANE Select); coding-DNA position 2752, A replaced by G.
Protein change: p.Met918Val; replaces methionine 918 with valine.
Molecular consequence: missense variant.
Genome position (GRCh38, 1-based): chr3:58,118,878, A>G. VCF-style: chr3-58118878-A-G. GRCh37 (hg19) VCF-style: chr3-58104605-A-G.
Other names: c.2752A>G, p.Met918Val (NM_001164317.2, NM_001164318.2, NM_001164319.2); short protein forms M918V.
Identifiers: ClinVar variation 3607085 (VCV003607085.2).